The following is an entry in ClinVar:

ClinVar aggregate classification (germline): Uncertain significance. Review status: criteria provided, multiple submitters, no conflicts (2 of 4 stars). 3 submissions from 3 submitters: Uncertain significance (3). Last evaluated 2024-03-06.

Conditions:
Hereditary cancer-predisposing syndrome. Also called: Neoplastic Syndromes, Hereditary; Tumor predisposition; Hereditary Cancer Syndrome; Hereditary neoplastic syndrome. Identifiers: Orphanet 140162, MedGen C0027672, MeSH D009386, MONDO:0015356.
Hereditary nonpolyposis colorectal neoplasms. Identifiers: MedGen C0009405, MeSH D003123.

gnomAD v4.1: 1 of 1,614,178 alleles (0.000062%); highest among the groups gnomAD compares: Non-Finnish European, 0.000085%; no homozygotes.

Submissions (3):

Color Diagnostics, LLC DBA Color Health
Classification: Uncertain significance for Hereditary cancer-predisposing syndrome. Last evaluated: 2024-03-06. Review status: criteria provided, single submitter. Criteria: ACMG Guidelines, 2015. Collection method: clinical testing. Allele origin: germline.
Comment: This missense variant replaces lysine with glutamic acid at codon 567 of the MSH6 protein. Computational prediction suggests that this variant may not impact protein structure and function (internally defined REVEL score threshold <= 0.5, PMID: 27666373). To our knowledge, functional studies have not been reported for this variant. This variant has not been reported in individuals affected with MSH6-related disorders in the literature. This variant has not been identified in the general population by the Genome Aggregation Database (gnomAD). The available evidence is insufficient to determine the role of this variant in disease conclusively. Therefore, this variant is classified as a Variant of Uncertain Significance.

Labcorp Genetics (formerly Invitae), Labcorp
Classification: Uncertain significance for Hereditary nonpolyposis colorectal neoplasms. Last evaluated: 2023-07-06. Review status: criteria provided, single submitter. Criteria: Invitae Variant Classification Sherloc (09022015). Collection method: clinical testing. Allele origin: germline.
Comment: In summary, the available evidence is currently insufficient to determine the role of this variant in disease. Therefore, it has been classified as a Variant of Uncertain Significance. This variant is not present in population databases (gnomAD no frequency). This sequence change replaces lysine, which is basic and polar, with glutamic acid, which is acidic and polar, at codon 567 of the MSH6 protein (p.Lys567Glu). ClinVar contains an entry for this variant (Variation ID: 926453). Advanced modeling of protein sequence and biophysical properties (such as structural, functional, and spatial information, amino acid conservation, physicochemical variation, residue mobility, and thermodynamic stability) performed at Invitae indicates that this missense variant is not expected to disrupt MSH6 protein function. This variant has not been reported in the literature in individuals affected with MSH6-related conditions.

Ambry Genetics
Classification: Uncertain significance for Hereditary cancer-predisposing syndrome. Last evaluated: 2021-08-03. Review status: criteria provided, single submitter. Criteria: Ambry Variant Classification Scheme 2023. Collection method: clinical testing. Allele origin: germline.
Comment: The p.K567E variant (also known as c.1699A>G), located in coding exon 4 of the MSH6 gene, results from an A to G substitution at nucleotide position 1699. The lysine at codon 567 is replaced by glutamic acid, an amino acid with similar properties. This amino acid position is not well conserved in available vertebrate species. In addition, the in silico prediction for this alteration is inconclusive. Since supporting evidence is limited at this time, the clinical significance of this alteration remains unclear.

NM_000179.3(MSH6):c.1699A>G (p.Lys567Glu)

Gene: MSH6 (mutS homolog 6; plus strand). Cytogenetic location: 2p16.3.
Variant type: single nucleotide variant.
Coding change: c.1699A>G on transcript NM_000179.3 (MANE Select); coding-DNA position 1699, A replaced by G.
Protein change: p.Lys567Glu; replaces lysine 567 with glutamic acid.
Molecular consequence: missense variant.
Genome position (GRCh38, 1-based): chr2:47,799,682, A>G. VCF-style: chr2-47799682-A-G. GRCh37 (hg19) VCF-style: chr2-48026821-A-G.
Other names: c.1309A>G, p.Lys437Glu (NM_001281492.2); c.793A>G, p.Lys265Glu (NM_001281493.2, NM_001281494.2); short protein forms K567E, K437E, K265E.
Identifiers: ClinVar variation 926453 (VCV000926453.9), dbSNP rs1669363053, ClinGen allele CA346747558.